The following is an entry in ClinVar:

NM_001110556.2(FLNA):c.5873T>A (p.Met1958Lys)

Gene: FLNA (filamin A; minus strand). Cytogenetic location: Xq28.
Variant type: single nucleotide variant.
Coding change: c.5873T>A on transcript NM_001110556.2 (MANE Select); coding-DNA position 5873, T replaced by A.
Protein change: p.Met1958Lys; replaces methionine 1958 with lysine.
Molecular consequence: missense variant.
Genome position (GRCh38, 1-based): chrX:154,353,445, A>T on the plus strand (T>A on the coding strand, the complement: FLNA is on the minus strand). VCF-style: chrX-154353445-A-T. GRCh37 (hg19) VCF-style: chrX-153581813-A-T.
Other names: c.5849T>A, p.Met1950Lys (NM_001456.4); short protein forms M1950K, M1958K.
Identifiers: ClinVar variation 2951654 (VCV002951654.3), dbSNP rs587780336, ClinGen allele CA415198359.

ClinVar aggregate classification (germline): Uncertain significance (1 of 4 stars; one submission).

Conditions:
Heterotopia, periventricular, X-linked dominant (PVNH1). Also called: PERIVENTRICULAR NODULAR HETEROTOPIA 1; X-linked periventricular heterotopia; PERIVENTRICULAR NODULAR HETEROTOPIA 4; HETEROTOPIA, PERIVENTRICULAR, 1. Identifiers: Orphanet 2149, Orphanet 82004, MedGen C1848213, MONDO:0010233, OMIM 300049.
Melnick-Needles syndrome (MNS). Also called: Melnick-Needles Syndrome (FLNA-MNS); MELNICK-NEEDLES OSTEODYSPLASTY; OSTEODYSPLASTY OF MELNICK AND NEEDLES. Identifiers: Orphanet 2484, MedGen C0025237, MONDO:0010650, OMIM 309350.
Frontometaphyseal dysplasia (FMD1). Identifiers: Orphanet 1826, MedGen C0265293, MONDO:0015942.
Oto-palato-digital syndrome, type II (OPD2). Also called: Otopalatodigital Syndrome Type 2 (FLNA-OPD2); FACIOPALATOOSSEOUS SYNDROME; OPD II SYNDROME; Otopalatodigital Syndrome, Type II. Identifiers: Orphanet 669, Orphanet 90652, MedGen C1844696, MONDO:0010571, OMIM 304120.

Submission:

Labcorp Genetics (formerly Invitae), Labcorp
Classification: Uncertain significance for Oto-palato-digital syndrome, type II; Heterotopia, periventricular, X-linked dominant; Frontometaphyseal dysplasia; Melnick-Needles syndrome. Last evaluated: 2023-10-10. Review status: criteria provided, single submitter. Criteria: Invitae Variant Classification Sherloc (09022015). Collection method: clinical testing. Allele origin: germline.
Comment: This sequence change replaces methionine, which is neutral and non-polar, with lysine, which is basic and polar, at codon 1950 of the FLNA protein (p.Met1950Lys). This variant is not present in population databases (gnomAD no frequency). This variant has not been reported in the literature in individuals affected with FLNA-related conditions. Advanced modeling of protein sequence and biophysical properties (such as structural, functional, and spatial information, amino acid conservation, physicochemical variation, residue mobility, and thermodynamic stability) performed at Invitae indicates that this missense variant is not expected to disrupt FLNA protein function. Algorithms developed to predict the effect of sequence changes on RNA splicing suggest that this variant may disrupt the consensus splice site. In summary, the available evidence is currently insufficient to determine the role of this variant in disease. Therefore, it has been classified as a Variant of Uncertain Significance.